The following is an entry in ClinVar:

NM_001365951.3(KIF1B):c.107-8T>A

Gene: KIF1B (kinesin family member 1B; plus strand). Cytogenetic location: 1p36.22.
Variant type: single nucleotide variant.
Coding change: c.107-8T>A on transcript NM_001365951.3 (MANE Select); 8 bases into the intron before coding-DNA position 107, T replaced by A.
Molecular consequence: intron variant.
Genome position (GRCh38, 1-based): chr1:10,256,239, T>A. VCF-style: chr1-10256239-T-A. GRCh37 (hg19) VCF-style: chr1-10316297-T-A.
Other names: c.107-8T>A (NM_183416.4, NM_015074.3, NM_001365952.1 and 1 more transcripts).
Identifiers: ClinVar variation 291464 (VCV000291464.14), dbSNP rs749389756, ClinGen allele CA580614.

ClinVar aggregate classification (germline): Conflicting classifications of pathogenicity. Review status: criteria provided, conflicting classifications (1 of 4 stars). 5 submissions from 5 submitters: Uncertain significance (1); Likely benign (1). 3 of the submissions do not count toward it. Last evaluated 2025-11-22.

Conditions:
Charcot-Marie-Tooth disease type 2. Also called: Charcot-Marie-Tooth type 2. Identifiers: Orphanet 64746, MedGen C0270914, MONDO:0018993.
KIF1B-related disorder. Also called: KIF1B-related condition.
Neuroblastoma (NB). Identifiers: Orphanet 635, MedGen C0027819, MeSH D009447, MONDO:0005072, HP:0003006.

Allele frequency attached by ClinVar (database versions not stated): ExAC 0.00002; TOPMed 0.00003; gnomAD 0.00006 and 0.00007; gnomAD exomes 0.00004 and 0.00002.
gnomAD v4.1: 64 of 1,566,326 alleles (0.0041%); highest among the groups gnomAD compares: Middle Eastern, 0.017%; no homozygotes.

Submissions (5):

Labcorp Genetics (formerly Invitae), Labcorp
Classification: Likely benign for Charcot-Marie-Tooth disease type 2. Last evaluated: 2025-11-22. Review status: criteria provided, single submitter. Criteria: Invitae Variant Classification Sherloc (09022015). Collection method: clinical testing. Allele origin: germline.

Illumina Laboratory Services, Illumina
Classification: Uncertain significance for Neuroblastoma. Last evaluated: 2018-01-12. Review status: criteria provided, single submitter. Criteria: ICSL Variant Classification Criteria 13 December 2019. Collection method: clinical testing. Allele origin: germline.

PreventionGenetics, part of Exact Sciences
Classification: Likely benign for KIF1B-related condition. Last evaluated: 2022-08-15. Review status: no assertion criteria provided. Collection method: clinical testing. Allele origin: germline. Not counted in ClinVar's aggregate classification.
Comment: This variant is classified as likely benign based on ACMG/AMP sequence variant interpretation guidelines (Richards et al. 2015 PMID: 25741868, with internal and published modifications).

Clinical Genetics DNA and cytogenetics Diagnostics Lab, Erasmus MC, Erasmus Medical Center
Classification: Likely benign. Review status: no assertion criteria provided. Collection method: clinical testing. Allele origin: germline. Affected: yes. Study: VKGL Data-share Consensus. Not counted in ClinVar's aggregate classification.

Clinical Genetics, Academic Medical Center
Classification: Likely benign. Review status: no assertion criteria provided. Collection method: clinical testing. Allele origin: germline. Affected: yes. Study: VKGL Data-share Consensus. Not counted in ClinVar's aggregate classification.